The following is an entry in ClinVar:

NM_001134831.2(AHI1):c.1406G>T (p.Cys469Phe)

Gene: AHI1 (Abelson helper integration site 1; minus strand). Cytogenetic location: 6q23.3.
Variant type: single nucleotide variant.
Coding change: c.1406G>T on transcript NM_001134831.2 (MANE Select); coding-DNA position 1406, G replaced by T.
Protein change: p.Cys469Phe; replaces cysteine 469 with phenylalanine.
Molecular consequence: missense variant.
Genome position (GRCh38, 1-based): chr6:135,453,375, C>A on the plus strand (G>T on the coding strand, the complement: AHI1 is on the minus strand). VCF-style: chr6-135453375-C-A. GRCh37 (hg19) VCF-style: chr6-135774513-C-A.
Other names: c.1406G>T, p.Cys469Phe (NM_001134830.2, NM_001134832.2, NM_001350503.2 and 2 more transcripts); short protein forms C469F.
Identifiers: ClinVar variation 2134108 (VCV002134108.2), dbSNP rs1224257244, ClinGen allele CA365746193.

ClinVar aggregate classification (germline): Uncertain significance (1 of 4 stars; one submission).

Conditions:
Joubert syndrome. Also called: CEREBELLOPARENCHYMAL DISORDER IV; JOUBERT-BOLTSHAUSER SYNDROME; Familial aplasia of the vermis. Identifiers: Orphanet 475, MedGen C5979921, MONDO:0018772.

gnomAD v4.1: 2 of 1,562,506 alleles (0.00013%); highest among the groups gnomAD compares: Admixed American, 0.0038%; no homozygotes.

Submission:

Labcorp Genetics (formerly Invitae), Labcorp
Classification: Uncertain significance for Joubert syndrome. Last evaluated: 2025-04-28. Review status: criteria provided, single submitter. Criteria: Invitae Variant Classification Sherloc (09022015). Collection method: clinical testing. Allele origin: germline.
Comment: This sequence change replaces cysteine, which is neutral and slightly polar, with phenylalanine, which is neutral and non-polar, at codon 469 of the AHI1 protein (p.Cys469Phe). The frequency data for this variant in the population databases is considered unreliable, as metrics indicate poor data quality at this position in the gnomAD database. This variant has not been reported in the literature in individuals affected with AHI1-related conditions. ClinVar contains an entry for this variant (Variation ID: 2134108). Invitae Evidence Modeling of protein sequence and biophysical properties (such as structural, functional, and spatial information, amino acid conservation, physicochemical variation, residue mobility, and thermodynamic stability) indicates that this missense variant is not expected to disrupt AHI1 protein function with a negative predictive value of 95%. In summary, the available evidence is currently insufficient to determine the role of this variant in disease. Therefore, it has been classified as a Variant of Uncertain Significance.